The following is an entry in ClinVar:

ClinVar aggregate classification (germline): Likely pathogenic (1 of 4 stars; one submission).

Conditions:
TH-deficient dopa-responsive dystonia. Also called: Tyrosine Hydroxylase-Deficient Dopa-Responsive Dystonia; Segawa syndrome, autosomal recessive; DYT-TH. Identifiers: Orphanet 101150, MedGen C2673535, MONDO:0011551, OMIM 605407.

Submission:

Women's Health and Genetics/Laboratory Corporation of America, LabCorp
Classification: Likely pathogenic for TH-deficient dopa-responsive dystonia. Last evaluated: 2025-06-17. Review status: criteria provided, single submitter. Criteria: LabCorp Variant Classification Summary - May 2015. Collection method: clinical testing. Allele origin: germline.
Comment: Variant summary: TH c.1240G>C (p.Gly414Arg) results in a non-conservative amino acid change in the encoded protein sequence. Algorithms developed to predict the effect of missense changes on protein structure and function are either unavailable or do not agree on the potential impact of this missense change. The variant was absent in 249482 control chromosomes (gnomAD). To our knowledge, no occurrence of c.1240G>C in individuals affected with Segawa Syndrome, Autosomal Recessive and no experimental evidence demonstrating its impact on protein function have been reported. However, another variant with the same amino acid effect (c.1240G>A) has been classified as likely pathogenic by our lab. No submitters have cited clinical-significance assessments for this variant to ClinVar. Based on the evidence outlined above, the variant was classified as likely pathogenic.

NM_000360.4(TH):c.1147G>C (p.Gly383Arg)

Gene: TH (tyrosine hydroxylase; minus strand). Cytogenetic location: 11p15.5.
Variant type: single nucleotide variant.
Coding change: c.1147G>C on transcript NM_000360.4 (MANE Select); coding-DNA position 1147, G replaced by C.
Protein change: p.Gly383Arg; replaces glycine 383 with arginine.
Molecular consequence: missense variant.
Genome position (GRCh38, 1-based): chr11:2,165,721, C>G on the plus strand (G>C on the coding strand, the complement: TH is on the minus strand). VCF-style: chr11-2165721-C-G. GRCh37 (hg19) VCF-style: chr11-2186951-C-G.
Other names: c.1240G>C, p.Gly414Arg (NM_199292.3); c.1228G>C, p.Gly410Arg (NM_199293.3); short protein forms G383R, G410R, G414R.
Identifiers: ClinVar variation 3907067 (VCV003907067.1).
Genomic context (GRCh38, chr11:2,165,721, plus strand): 5'-CTCTCACCAGGAGCTCCCCGTAGGAGGACAGCAGCCCGGCACCATAGGCCTTCACCTCCC[C>G]GTTCTGCTTACACAGCCCGAACTCCACCGTGAACCAGTACAGCTGCGGGGAAGCCGGGCA-3'
Protein context (NP_000351.2, residues 373-393): TVEFGLCKQN[Gly383Arg]EVKAYGAGLL